The following is an entry in ClinVar:

ClinVar aggregate classification (germline): Uncertain significance. Review status: criteria provided, multiple submitters, no conflicts (2 of 4 stars). 2 submissions from 2 submitters: Uncertain significance (2). Last evaluated 2022-08-09.

Conditions:
Adams-Oliver syndrome 3 (AOS3). Identifiers: Orphanet 974, MedGen C3553748, MONDO:0013895, OMIM 614814.

Allele frequency attached by ClinVar (database versions not stated): gnomAD exomes 0.00001; TOPMed 0.00001; ESP Exome Variant Server 0.00008.
gnomAD v4.1: 9 of 1,595,116 alleles (0.00056%); highest among the groups gnomAD compares: Admixed American, 0.0034%; no homozygotes.

Submissions (2):

Labcorp Genetics (formerly Invitae), Labcorp
Classification: Uncertain significance. Last evaluated: 2022-08-09. Review status: criteria provided, single submitter. Criteria: Invitae Variant Classification Sherloc (09022015). Collection method: clinical testing. Allele origin: germline.
Comment: In summary, the available evidence is currently insufficient to determine the role of this variant in disease. Therefore, it has been classified as a Variant of Uncertain Significance. Algorithms developed to predict the effect of missense changes on protein structure and function (SIFT, PolyPhen-2, Align-GVGD) all suggest that this variant is likely to be tolerated. ClinVar contains an entry for this variant (Variation ID: 1342378). This variant has not been reported in the literature in individuals affected with RBPJ-related conditions. This variant is present in population databases (rs369569682, gnomAD 0.003%). This sequence change replaces arginine, which is basic and polar, with glutamine, which is neutral and polar, at codon 30 of the RBPJ protein (p.Arg30Gln).

New York Genome Center
Classification: Uncertain significance for Adams-Oliver syndrome 3. Last evaluated: 2021-03-22. Review status: criteria provided, single submitter. Criteria: NYGC Assertion Criteria 2020. Collection method: clinical testing. Allele origin: inherited. Observed: 1 heterozygote. Study: CSER-NYCKidSeq.

NM_015874.6(RBPJ):c.50G>A (p.Arg17Gln)

Gene: RBPJ (recombination signal binding protein for immunoglobulin kappa J region; plus strand). Cytogenetic location: 4p15.2.
Variant type: single nucleotide variant.
Coding change: c.50G>A on transcript NM_015874.6 (MANE Select); coding-DNA position 50, G replaced by A.
Protein change: p.Arg17Gln; replaces arginine 17 with glutamine.
Molecular consequence: missense variant. On other transcripts: 5 prime UTR variant (2).
Genome position (GRCh38, 1-based): chr4:26,386,382, G>A. VCF-style: chr4-26386382-G-A. GRCh37 (hg19) VCF-style: chr4-26388004-G-A.
Other names: c.47G>A, p.Arg16Gln (NM_001374403.1, NM_001379406.1, NM_001379407.1 and 3 more transcripts); c.89G>A, p.Arg30Gln (NM_001379408.1, NM_005349.4, NM_001374400.1); c.44G>A, p.Arg15Gln (NM_001379409.1); c.-17G>A (NM_203283.5, NM_001363577.2); short protein forms R15Q, R16Q, R17Q, R30Q.
Identifiers: ClinVar variation 1342378 (VCV001342378.9), dbSNP rs369569682, ClinGen allele CA94387950.